The following is an entry in ClinVar:

ClinVar aggregate classification (germline): Uncertain significance (1 of 4 stars; one submission).

Allele frequency attached by ClinVar (database versions not stated): TOPMed below 0.00001; ExAC 0.00001; gnomAD 0.00001; 1000 Genomes Project 30x 0.00016; 1000 Genomes Project 0.00020.

Submission:

Labcorp Genetics (formerly Invitae), Labcorp
Classification: Uncertain significance. Last evaluated: 2022-09-25. Review status: criteria provided, single submitter. Criteria: Invitae Variant Classification Sherloc (09022015). Collection method: clinical testing. Allele origin: germline.
Comment: Algorithms developed to predict the effect of missense changes on protein structure and function are either unavailable or do not agree on the potential impact of this missense change (SIFT: "Deleterious"; PolyPhen-2: "Benign"; Align-GVGD: "Class C0"). In summary, the available evidence is currently insufficient to determine the role of this variant in disease. Therefore, it has been classified as a Variant of Uncertain Significance. This variant has not been reported in the literature in individuals affected with GPR45-related conditions. This variant is present in population databases (rs199769227, gnomAD 0.01%). This sequence change replaces arginine, which is basic and polar, with histidine, which is basic and polar, at codon 108 of the GPR45 protein (p.Arg108His).

NM_007227.3(GPR45):c.323G>A (p.Arg108His)

Gene: GPR45 (G protein-coupled receptor 45; plus strand). Cytogenetic location: 2q12.1.
Variant type: single nucleotide variant.
Coding change: c.323G>A on transcript NM_007227.3 (MANE Select); coding-DNA position 323, G replaced by A.
Protein change: p.Arg108His; replaces arginine 108 with histidine.
Molecular consequence: missense variant.
Genome position (GRCh38, 1-based): chr2:105,242,181, G>A. VCF-style: chr2-105242181-G-A. GRCh37 (hg19) VCF-style: chr2-105858638-G-A.
Other names: short protein forms R108H.
Identifiers: ClinVar variation 1949610 (VCV001949610.5), dbSNP rs199769227, ClinGen allele CA1813553.